The following is an entry in ClinVar:

ClinVar aggregate classification (germline): Uncertain significance. Review status: criteria provided, multiple submitters, no conflicts (2 of 4 stars). 2 submissions from 2 submitters: Uncertain significance (2). Last evaluated 2024-10-16.

Conditions:
Inborn genetic diseases. Identifiers: MedGen C0950123, MeSH D030342.
Developmental and epileptic encephalopathy, 1 (DEE1). Also called: X-linked infantile spasms; West's syndrome; Tonic spasms with clustering, arrest of psychomotor development and hypsarrhythmia on EEG; X-Linked Infantile Spasm Syndrome; OHTAHARA SYNDROME, X-LINKED; Epileptic encephalopathy, early infantile, 1. Identifiers: MedGen C3463992, MONDO:0010632, OMIM 308350. Disease mechanism: loss of function.
Autosomal recessive spinocerebellar ataxia 12. Also called: SPINOCEREBELLAR ATAXIA WITH MENTAL RETARDATION AND EPILEPSY. Identifiers: Orphanet 284282, MedGen C3280452, MONDO:0013687, OMIM 614322.

Allele frequency attached by ClinVar (database versions not stated): gnomAD 0.00001; gnomAD exomes 0.00001 and 0.00002; TOPMed 0.00001; ESP Exome Variant Server 0.00008.
gnomAD v4.1: 35 of 1,614,086 alleles (0.0022%); highest among the groups gnomAD compares: South Asian, 0.0033%; no homozygotes.

Submissions (2):

Ambry Genetics
Classification: Uncertain significance for Inborn genetic diseases. Last evaluated: 2024-10-16. Review status: criteria provided, single submitter. Criteria: Ambry Variant Classification Scheme 2023. Collection method: clinical testing. Allele origin: germline.

Labcorp Genetics (formerly Invitae), Labcorp
Classification: Uncertain significance for Developmental and epileptic encephalopathy, 1; Autosomal recessive spinocerebellar ataxia 12. Last evaluated: 2022-06-24. Review status: criteria provided, single submitter. Criteria: Invitae Variant Classification Sherloc (09022015). Collection method: clinical testing. Allele origin: germline.
Comment: This sequence change replaces alanine, which is neutral and non-polar, with threonine, which is neutral and polar, at codon 399 of the WWOX protein (p.Ala399Thr). This variant is present in population databases (rs375970162, gnomAD 0.003%). This variant has not been reported in the literature in individuals affected with WWOX-related conditions. ClinVar contains an entry for this variant (Variation ID: 972036). Algorithms developed to predict the effect of missense changes on protein structure and function are either unavailable or do not agree on the potential impact of this missense change (SIFT: "Not Available"; PolyPhen-2: "Benign"; Align-GVGD: "Not Available"). In summary, the available evidence is currently insufficient to determine the role of this variant in disease. Therefore, it has been classified as a Variant of Uncertain Significance.

NM_016373.4(WWOX):c.1195G>A (p.Ala399Thr)

Genes: MAF (MAF bZIP transcription factor; minus strand), WWOX (WW domain containing oxidoreductase; plus strand). Cytogenetic location: 16q23.2.
Variant type: single nucleotide variant.
Coding change: c.1195G>A on transcript NM_016373.4 (MANE Select); coding-DNA position 1195, G replaced by A.
Protein change: p.Ala399Thr; replaces alanine 399 with threonine.
Molecular consequence: missense variant.
Genome position (GRCh38, 1-based): chr16:79,211,746, G>A. VCF-style: chr16-79211746-G-A. GRCh37 (hg19) VCF-style: chr16-79245643-G-A.
Other names: c.856G>A, p.Ala286Thr (NM_001291997.2); c.1195G>A (NM_016373.2); short protein forms A286T, A399T.
Identifiers: ClinVar variation 972036 (VCV000972036.8), dbSNP rs375970162, ClinGen allele CA284131625.